The following is an entry in ClinVar:

ClinVar aggregate classification (germline): Uncertain significance (1 of 4 stars; one submission).

Conditions:
Hereditary cancer-predisposing syndrome. Also called: Neoplastic Syndromes, Hereditary; Tumor predisposition; Hereditary Cancer Syndrome; Hereditary neoplastic syndrome. Identifiers: Orphanet 140162, MedGen C0027672, MeSH D009386, MONDO:0015356.

Submission:

Ambry Genetics
Classification: Uncertain significance for Hereditary cancer-predisposing syndrome. Last evaluated: 2025-08-12. Review status: criteria provided, single submitter. Criteria: Ambry Variant Classification Scheme 2023. Collection method: clinical testing. Allele origin: germline.
Comment: The p.I807L variant (also known as c.2419A>C), located in coding exon 17 of the TSC1 gene, results from an A to C substitution at nucleotide position 2419. The isoleucine at codon 807 is replaced by leucine, an amino acid with highly similar properties. This amino acid position is conserved. In addition, this alteration is predicted to be tolerated by in silico analysis. Based on the available evidence, the clinical significance of this variant remains unclear.

NM_000368.5(TSC1):c.2419A>C (p.Ile807Leu)

Gene: TSC1 (TSC complex subunit 1; minus strand). Cytogenetic location: 9q34.13.
Variant type: single nucleotide variant.
Coding change: c.2419A>C on transcript NM_000368.5 (MANE Select); coding-DNA position 2419, A replaced by C.
Protein change: p.Ile807Leu; replaces isoleucine 807 with leucine.
Molecular consequence: missense variant. On other transcripts: non-coding transcript variant (5).
Genome position (GRCh38, 1-based): chr9:132,901,672, T>G on the plus strand (A>C on the coding strand, the complement: TSC1 is on the minus strand). VCF-style: chr9-132901672-T-G. GRCh37 (hg19) VCF-style: chr9-135777059-T-G.
Other names: c.2416A>C, p.Ile806Leu (NM_001162426.2, NM_001406597.1, NM_001406598.1 and 4 more transcripts); c.2266A>C, p.Ile756Leu (NM_001162427.2, NM_001406610.1); c.2056A>C, p.Ile686Leu (NM_001362177.2, NM_001406614.1, NM_001406615.1 and 5 more transcripts); c.2419A>C, p.Ile807Leu (NM_001406592.1, NM_001406593.1, NM_001406594.1 and 5 more transcripts); c.2404A>C, p.Ile802Leu (NM_001406601.1, NM_001406602.1); c.2263A>C, p.Ile755Leu (NM_001406613.1, NM_001406611.1, NM_001406612.1); c.2053A>C, p.Ile685Leu (NM_001406620.1, NM_001406621.1, NM_001406622.1 and 2 more transcripts); c.1468A>C, p.Ile490Leu (NM_001406626.1); and 3 more; short protein forms I456L, I685L, I686L, I806L, I807L, I489L, I802L, I490L.
Identifiers: ClinVar variation 4192091 (VCV004192091.1).
Genomic context (GRCh38, chr9:132,901,672, plus strand): 5'-GCAGCTCAGTGTGACACACCTTGTTGTTGGCCTTCTTCAGTTCTATCCGCAGCTCCGCAA[T>G]CATGTTCCTGCAGTCCTCCAGCTTCGTCTGCCCAAAGAGACGTGGACATGAAGTTTGAGG-3'
Protein context (NP_000359.1, residues 797-817): QTKLEDCRNM[Ile807Leu]AELRIELKKA